The following is an entry in ClinVar:

NM_004064.5(CDKN1B):c.539A>G (p.Asn180Ser)

Gene: CDKN1B (cyclin dependent kinase inhibitor 1B; plus strand). Cytogenetic location: 12p13.1.
Variant type: single nucleotide variant.
Coding change: c.539A>G on transcript NM_004064.5 (MANE Select); coding-DNA position 539, A replaced by G.
Protein change: p.Asn180Ser; replaces asparagine 180 with serine.
Molecular consequence: missense variant.
Genome position (GRCh38, 1-based): chr12:12,718,888, A>G. VCF-style: chr12-12718888-A-G. GRCh37 (hg19) VCF-style: chr12-12871822-A-G.
Other names: short protein forms N180S.
Identifiers: ClinVar variation 2765121 (VCV002765121.3), dbSNP rs2136357386, ClinGen allele CA383973024.

ClinVar aggregate classification (germline): Uncertain significance (1 of 4 stars; one submission).

Conditions:
Multiple endocrine neoplasia type 4. Also called: MULTIPLE ENDOCRINE NEOPLASIA, TYPE IV. Identifiers: Orphanet 276152, MedGen C1970712, MONDO:0012552, OMIM 610755.

Submission:

Labcorp Genetics (formerly Invitae), Labcorp
Classification: Uncertain significance for Multiple endocrine neoplasia type 4. Last evaluated: 2023-10-04. Review status: criteria provided, single submitter. Criteria: Invitae Variant Classification Sherloc (09022015). Collection method: clinical testing. Allele origin: germline.
Comment: This sequence change replaces asparagine, which is neutral and polar, with serine, which is neutral and polar, at codon 180 of the CDKN1B protein (p.Asn180Ser). This variant is not present in population databases (gnomAD no frequency). This variant has not been reported in the literature in individuals affected with CDKN1B-related conditions. An algorithm developed to predict the effect of missense changes on protein structure and function (PolyPhen-2) suggests that this variant is likely to be tolerated. In summary, the available evidence is currently insufficient to determine the role of this variant in disease. Therefore, it has been classified as a Variant of Uncertain Significance.